The following is an entry in ClinVar:

ClinVar aggregate classification (germline): Pathogenic (1 of 4 stars; one submission).

Conditions:
Duchenne muscular dystrophy (DMD). Also called: Duchenne Muscular Dystrophy (DMD); MUSCULAR DYSTROPHY, PSEUDOHYPERTROPHIC PROGRESSIVE, DUCHENNE TYPE. Identifiers: Orphanet 98896, MedGen C0013264, MONDO:0010679, OMIM 310200.

Submission:

Labcorp Genetics (formerly Invitae), Labcorp
Classification: Pathogenic for Duchenne muscular dystrophy. Last evaluated: 2022-10-07. Review status: criteria provided, single submitter. Criteria: Invitae Variant Classification Sherloc (09022015). Collection method: clinical testing. Allele origin: germline.
Comment: For these reasons, this variant has been classified as Pathogenic. This variant has not been reported in the literature in individuals affected with DMD-related conditions. This variant is a gross deletion of the genomic region encompassing exon(s) 5-45 of the DMD gene. This deletion is out-of-frame, and is expected to create a premature termination codon and result in an absent or disrupted protein product. Loss-of-function variants in DMD are known to be pathogenic (PMID: 16770791, 25007885).

Literature cited by the submitters: PubMed 16770791; PubMed 25007885.

NC_000023.10:g.(?_31983146)_(32841967_?)del

Gene: DMD (dystrophin; minus strand). Cytogenetic location: Xp21.1.
Variant type: Deletion.
Identifiers: ClinVar variation 2424924 (VCV002424924.5).